The following is an entry in ClinVar:

ClinVar aggregate classification (germline): Uncertain significance. Review status: criteria provided, multiple submitters, no conflicts (2 of 4 stars). 2 submissions from 2 submitters: Uncertain significance (2). Last evaluated 2025-02-10.

Conditions:
Peutz-Jeghers syndrome (PJS). Also called: POLYPOSIS, HAMARTOMATOUS INTESTINAL; POLYPS-AND-SPOTS SYNDROME; Peutz-Jeghers polyposis; Periorificial lentiginosis syndrome. Identifiers: Orphanet 2869, MedGen C0031269, MeSH D010580, MONDO:0008280, OMIM 175200.
Hereditary cancer-predisposing syndrome. Also called: Hereditary Cancer Syndrome; Hereditary neoplastic syndrome; Tumor predisposition; Neoplastic Syndromes, Hereditary. Identifiers: Orphanet 140162, MedGen C0027672, MeSH D009386, MONDO:0015356.

Allele frequency attached by ClinVar (database versions not stated): gnomAD exomes below 0.00001.

Submissions (2):

Labcorp Genetics (formerly Invitae), Labcorp
Classification: Uncertain significance for Peutz-Jeghers syndrome. Last evaluated: 2025-02-10. Review status: criteria provided, single submitter. Criteria: Invitae Variant Classification Sherloc (09022015). Collection method: clinical testing. Allele origin: germline.
Comment: This sequence change replaces glycine, which is neutral and non-polar, with aspartic acid, which is acidic and polar, at codon 15 of the STK11 protein (p.Gly15Asp). This variant is not present in population databases (gnomAD no frequency). This variant has not been reported in the literature in individuals affected with STK11-related conditions. ClinVar contains an entry for this variant (Variation ID: 458045). Invitae Evidence Modeling of protein sequence and biophysical properties (such as structural, functional, and spatial information, amino acid conservation, physicochemical variation, residue mobility, and thermodynamic stability) indicates that this missense variant is not expected to disrupt STK11 protein function with a negative predictive value of 95%. In summary, the available evidence is currently insufficient to determine the role of this variant in disease. Therefore, it has been classified as a Variant of Uncertain Significance.

Ambry Genetics
Classification: Uncertain significance for Hereditary cancer-predisposing syndrome. Last evaluated: 2024-06-05. Review status: criteria provided, single submitter. Criteria: Ambry Variant Classification Scheme 2023. Collection method: clinical testing. Allele origin: germline.
Comment: The p.G15D variant (also known as c.44G>A), located in coding exon 1 of the STK11 gene, results from a G to A substitution at nucleotide position 44. The glycine at codon 15 is replaced by aspartic acid, an amino acid with similar properties. This alteration was identified within 1 of 153 individuals diagnosed with colorectal cancer who met Amsterdam Criteria I for Lynch syndrome, but had normal mismatch repair function (DeRycke MS et al. Mol Genet Genomic Med, 2017 Sep;5:553-569). This amino acid position is not well conserved in available vertebrate species. In addition, this alteration is predicted to be tolerated by in silico analysis. Since supporting evidence is limited at this time, the clinical significance of this alteration remains unclear.

Literature cited by the submitters: PubMed 28944238 (cited by Ambry Genetics).

NM_000455.5(STK11):c.44G>A (p.Gly15Asp)

Gene: STK11 (serine/threonine kinase 11; plus strand). Cytogenetic location: 19p13.3.
Variant type: single nucleotide variant.
Coding change: c.44G>A on transcript NM_000455.5 (MANE Select); coding-DNA position 44, G replaced by A.
Protein change: p.Gly15Asp; replaces glycine 15 with aspartic acid.
Molecular consequence: missense variant.
Genome position (GRCh38, 1-based): chr19:1,206,957, G>A. VCF-style: chr19-1206957-G-A. GRCh37 (hg19) VCF-style: chr19-1206956-G-A.
Other names: short protein forms G15D.
Identifiers: ClinVar variation 458045 (VCV000458045.12), dbSNP rs1458974438, ClinGen allele CA402943230.